The following is an entry in ClinVar:

NM_000090.4(COL3A1):c.2294G>T (p.Gly765Val)

Gene: COL3A1 (collagen type III alpha 1 chain; plus strand). Cytogenetic location: 2q32.2.
Variant type: single nucleotide variant.
Coding change: c.2294G>T on transcript NM_000090.4 (MANE Select); coding-DNA position 2294, G replaced by T.
Protein change: p.Gly765Val; replaces glycine 765 with valine.
Molecular consequence: missense variant.
Genome position (GRCh38, 1-based): chr2:189,001,407, G>T. VCF-style: chr2-189001407-G-T. GRCh37 (hg19) VCF-style: chr2-189866133-G-T.
Identifiers: ClinVar variation 101188 (VCV000101188.12), dbSNP rs587779492, ClinGen allele CA005313.
Genomic context (GRCh38, chr2:189,001,407, plus strand): 5'-AAAACGATATTTGTATCTTCAAAATTAAAAAATATTTTTATTTCCTCTAGGGTCCTACTG[G>T]TCCTATTGGTCCTCCTGGCCCAGCTGGCCAGCCTGGAGATAAGGTAACCCTTAATACTAC-3'
Protein context (NP_000081.2, residues 755-775): PGKDGPRGPT[Gly765Val]PIGPPGPAGQ

ClinVar aggregate classification (germline): Pathogenic. Review status: criteria provided, single submitter (1 of 4 stars). 2 submissions from 2 submitters: Pathogenic (1). 1 of the submissions does not count toward it. Last evaluated 2023-04-17.

Conditions:
Ehlers-Danlos syndrome, type 4 (EDSVASC). Also called: Ehlers-Danlos syndrome vascular type; Ehlers Danlos syndrome, ecchymotic type; Ehlers Danlos syndrome, arterial type; Ehlers Danlos syndrome, Sack-Barabas type; Ehlers-Danlos Syndrome Type IV. Identifiers: Orphanet 286, MedGen C0268338, MONDO:0017314, OMIM 130050.

Submissions (2):

Labcorp Genetics (formerly Invitae), Labcorp
Classification: Pathogenic for Ehlers-Danlos syndrome, type 4. Last evaluated: 2023-04-17. Review status: criteria provided, single submitter. Criteria: Invitae Variant Classification Sherloc (09022015). Collection method: clinical testing. Allele origin: germline.
Comment: For these reasons, this variant has been classified as Pathogenic. This sequence change replaces glycine, which is neutral and non-polar, with valine, which is neutral and non-polar, at codon 765 of the COL3A1 protein (p.Gly765Val). This variant is not present in population databases (gnomAD no frequency). This missense change has been observed in individuals with Ehlers Danlos syndrome, type IV (PMID: 24922459; Invitae). ClinVar contains an entry for this variant (Variation ID: 101188). Advanced modeling of protein sequence and biophysical properties (such as structural, functional, and spatial information, amino acid conservation, physicochemical variation, residue mobility, and thermodynamic stability) performed at Invitae indicates that this missense variant is expected to disrupt COL3A1 protein function. This variant disrupts the triple helix domain of COL3A1. Glycine residues within the Gly-Xaa-Yaa repeats of the triple helix domain are required for the structure and stability of fibrillar collagens (PMID: 7695699, 8218237, 19344236). In COL3A1, variants that affect these glycine residues are significantly enriched in individuals with disease (PMID: 24922459, 25758994) compared to the general population (ExAC). This variant disrupts the p.Gly765 amino acid residue in COL3A1. Other variant(s) that disrupt this residue have been observed in individuals with COL3A1-related conditions (PMID: 24922459, 25758994), which suggests that this may be a clinically significant amino acid residue.

Collagen Diagnostic Laboratory, University of Washington
Classification: Pathogenic for Ehlers-Danlos syndrome, type 4. Review status: no assertion criteria provided. Collection method: clinical testing. Allele origin: germline. Affected: yes. Not counted in ClinVar's aggregate classification.

Literature cited by the submitters: PubMed 24922459 (cited by Labcorp Genetics (formerly Invitae), Labcorp); PubMed 7695699 (cited by Labcorp Genetics (formerly Invitae), Labcorp); PubMed 8218237 (cited by Labcorp Genetics (formerly Invitae), Labcorp); PubMed 19344236 (cited by Labcorp Genetics (formerly Invitae), Labcorp); PubMed 25758994 (cited by Labcorp Genetics (formerly Invitae), Labcorp).